The following is an entry in ClinVar:

ClinVar aggregate classification (germline): Uncertain significance. Review status: criteria provided, multiple submitters, no conflicts (2 of 4 stars). 2 submissions from 2 submitters: Uncertain significance (2). Last evaluated 2026-07-18.

Conditions:
Inborn genetic diseases. Identifiers: MedGen C0950123, MeSH D030342.

gnomAD v4.1: 1 of 1,613,854 alleles (0.000062%); highest among the groups gnomAD compares: Non-Finnish European, 0.000085%; no homozygotes.

Submissions (2):

Ambry Genetics
Classification: Uncertain significance for Inborn genetic diseases. Last evaluated: 2026-07-18. Review status: criteria provided, single submitter. Criteria: Ambry Variant Classification Scheme 2023. Collection method: clinical testing. Allele origin: germline.
Comment: The p.Q1409P variant (also known as c.4226A>C), located in coding exon 1 of the SAMD9L gene, results from an A to C substitution at nucleotide position 4226. The glutamine at codon 1409 is replaced by proline, an amino acid with similar properties. This amino acid position is conserved. In addition, this alteration is predicted to be tolerated by in silico analysis. Based on the available evidence, the clinical significance of this variant remains unclear.

Labcorp Genetics (formerly Invitae), Labcorp
Classification: Uncertain significance. Last evaluated: 2024-09-04. Review status: criteria provided, single submitter. Criteria: Invitae Variant Classification Sherloc (09022015). Collection method: clinical testing. Allele origin: germline.
Comment: This sequence change replaces glutamine, which is neutral and polar, with proline, which is neutral and non-polar, at codon 1409 of the SAMD9L protein (p.Gln1409Pro). This variant is not present in population databases (gnomAD no frequency). This variant has not been reported in the literature in individuals affected with SAMD9L-related conditions. Invitae Evidence Modeling of protein sequence and biophysical properties (such as structural, functional, and spatial information, amino acid conservation, physicochemical variation, residue mobility, and thermodynamic stability) indicates that this missense variant is expected to disrupt SAMD9L protein function with a positive predictive value of 80%. In summary, the available evidence is currently insufficient to determine the role of this variant in disease. Therefore, it has been classified as a Variant of Uncertain Significance.

NM_152703.5(SAMD9L):c.4226A>C (p.Gln1409Pro)

Gene: SAMD9L (sterile alpha motif domain containing 9 like; minus strand). Cytogenetic location: 7q21.2.
Variant type: single nucleotide variant.
Coding change: c.4226A>C on transcript NM_152703.5 (MANE Select); coding-DNA position 4226, A replaced by C.
Protein change: p.Gln1409Pro; replaces glutamine 1409 with proline.
Molecular consequence: missense variant.
Genome position (GRCh38, 1-based): chr7:93,131,746, T>G on the plus strand (A>C on the coding strand, the complement: SAMD9L is on the minus strand). VCF-style: chr7-93131746-T-G. GRCh37 (hg19) VCF-style: chr7-92761059-T-G.
Other names: c.4226A>C, p.Gln1409Pro (NM_001303497.3, NM_001303498.3, NM_001303500.3 and 5 more transcripts); c.4226A>C (NM_152703.2); short protein forms Q1409P.
Identifiers: ClinVar variation 3677381 (VCV003677381.3).